The following is an entry in ClinVar:

ClinVar aggregate classification (germline): Uncertain significance (1 of 4 stars; one submission).

Conditions:
Inborn genetic diseases. Identifiers: MedGen C0950123, MeSH D030342.

Submission:

Ambry Genetics
Classification: Uncertain significance for Inborn genetic diseases. Last evaluated: 2026-08-08. Review status: criteria provided, single submitter. Criteria: Ambry Variant Classification Scheme 2023. Collection method: clinical testing. Allele origin: germline.
Comment: The p.T1013R variant (also known as c.3038C>G), located in coding exon 22 of the LTBP3 gene, results from a C to G substitution at nucleotide position 3038. The threonine at codon 1013 is replaced by arginine, an amino acid with similar properties. This amino acid position is conserved. In addition, this alteration is predicted to be deleterious by in silico analysis. Based on the available evidence, the clinical significance of this variant remains unclear.

NM_001130144.3(LTBP3):c.3038C>G (p.Thr1013Arg)

Genes: LTBP3 (latent transforming growth factor beta binding protein 3; minus strand), LOC121832793 (Sharpr-MPRA regulatory region 4001; plus strand). Cytogenetic location: 11q13.1.
Variant type: single nucleotide variant.
Coding change: c.3038C>G on transcript NM_001130144.3 (MANE Select); coding-DNA position 3038, C replaced by G.
Protein change: p.Thr1013Arg; replaces threonine 1013 with arginine.
Molecular consequence: missense variant.
Genome position (GRCh38, 1-based): chr11:65,540,554, G>C on the plus strand (C>G on the coding strand, the complement: LTBP3 is on the minus strand). VCF-style: chr11-65540554-G-C. GRCh37 (hg19) VCF-style: chr11-65308025-G-C.
Other names: c.2687C>G, p.Thr896Arg (NM_001164266.1); c.3038C>G, p.Thr1013Arg (NM_021070.4); short protein forms T1013R, T896R.
Identifiers: ClinVar variation 5023712 (VCV005023712.1).
Genomic context (GRCh38, chr11:65,540,554, plus strand): 5'-TCCAGCAGGTTCCCGTCGTAGTAGAAGCCCTGCTTGCAGTAGCACTCGTAGCCAGGCTGC[G>C]TGTTCACGCACTTGCCCTCCTTGCAAATCTCCGACCCGAACAACATGCACTCGTCGATGT-3'
Protein context (NP_001123616.1, residues 1003-1023): EICKEGKCVN[Thr1013Arg]QPGYECYCKQ